The following is an entry in ClinVar:

ClinVar aggregate classification (germline): Benign. Review status: criteria provided, multiple submitters, no conflicts (2 of 4 stars). 3 submissions from 3 submitters: Benign (3). Last evaluated 2024-01-24.

Allele frequency attached by ClinVar (database versions not stated): gnomAD exomes 0.33644; gnomAD 0.45746 and 0.46505; TOPMed 0.48137; 1000 Genomes Project 0.49301; 1000 Genomes Project 30x 0.49953.
gnomAD v4.1: 554,553 of 1,588,172 alleles (35%); highest among the groups gnomAD compares: African/African-American, 81%; 106,781 homozygotes.

Submissions (3):

Unidad de Genómica Garrahan, Hospital de Pediatría Garrahan
Classification: Benign. Last evaluated: 2024-01-24. Review status: criteria provided, single submitter. Criteria: ACMG Guidelines, 2015. Collection method: clinical testing. Allele origin: germline. Affected: no. Observed: 44 variant alleles.
Comment: This variant is classified as Benign based on local population frequency. This variant was detected in 50% of patients studied by a panel of primary immunodeficiencies. Number of patients: 44. Only high quality variants are reported.

GeneDx
Classification: Benign. Last evaluated: 2018-11-12. Review status: criteria provided, single submitter. Criteria: GeneDx Variant Classification Process June 2021. Collection method: clinical testing. Allele origin: germline. Affected: yes.

Breakthrough Genomics
Classification: Benign. Review status: criteria provided, single submitter. Criteria: ACMG Guidelines, 2015. Collection method: not provided. Allele origin: germline. Inheritance: Autosomal recessive inheritance. Affected: yes.

NM_199242.3(UNC13D):c.388+122C>T

Gene: UNC13D (unc-13 homolog D; minus strand). Cytogenetic location: 17q25.1.
Variant type: single nucleotide variant.
Coding change: c.388+122C>T on transcript NM_199242.3 (MANE Select); 122 bases into the intron after coding-DNA position 388, C replaced by T.
Molecular consequence: intron variant.
Genome position (GRCh38, 1-based): chr17:75,842,735, G>A on the plus strand (C>T on the coding strand, the complement: UNC13D is on the minus strand). VCF-style: chr17-75842735-G-A. GRCh37 (hg19) VCF-style: chr17-73838816-G-A.
Identifiers: ClinVar variation 1247608 (VCV001247608.5), dbSNP rs3744006, ClinGen allele CA14387408.